The following is an entry in ClinVar:

NM_004448.4(ERBB2):c.440-12C>T

Gene: ERBB2 (erb-b2 receptor tyrosine kinase 2; plus strand). Cytogenetic location: 17q12.
Variant type: single nucleotide variant.
Coding change: c.440-12C>T on transcript NM_004448.4 (MANE Select); 12 bases into the intron before coding-DNA position 440, C replaced by T.
Molecular consequence: intron variant. On other transcripts: missense variant (1).
Genome position (GRCh38, 1-based): chr17:39,709,306, C>T. VCF-style: chr17-39709306-C-T. GRCh37 (hg19) VCF-style: chr17-37865559-C-T.
Other names: c.503C>T, p.Ala168Val (NM_001382787.1); c.350-12C>T (NM_001382782.1, NM_001005862.3, NM_001289938.2 and 1 more transcripts); c.395-12C>T (NM_001289936.2); c.440-12C>T (NM_001382784.1, NM_001382786.1, NM_001382789.1 and 17 more transcripts); c.440-552C>T (NM_001382799.1); c.431-12C>T (NM_001382791.1); c.74-2622C>T (NM_001382804.1); short protein forms A168V.
Identifiers: ClinVar variation 2839795 (VCV002839795.3), dbSNP rs2145468992, ClinGen allele CA2733577222.

ClinVar aggregate classification (germline): Uncertain significance (1 of 4 stars; one submission).

Submission:

Labcorp Genetics (formerly Invitae), Labcorp
Classification: Uncertain significance. Last evaluated: 2023-02-22. Review status: criteria provided, single submitter. Criteria: Invitae Variant Classification Sherloc (09022015). Collection method: clinical testing. Allele origin: germline.
Comment: Algorithms developed to predict the effect of sequence changes on RNA splicing suggest that this variant may disrupt the consensus splice site. This variant has not been reported in the literature in individuals affected with ERBB2-related conditions. This variant is not present in population databases (gnomAD no frequency). This sequence change falls in intron 3 of the ERBB2 gene. It does not directly change the encoded amino acid sequence of the ERBB2 protein. In summary, the available evidence is currently insufficient to determine the role of this variant in disease. Therefore, it has been classified as a Variant of Uncertain Significance.